The following is an entry in ClinVar:

NM_001394998.1(TANC2):c.158G>A (p.Ser53Asn)

Gene: TANC2 (tetratricopeptide repeat, ankyrin repeat and coiled-coil containing 2; plus strand). Cytogenetic location: 17q23.2.
Variant type: single nucleotide variant.
Coding change: c.158G>A on transcript NM_001394998.1 (MANE Select); coding-DNA position 158, G replaced by A.
Protein change: p.Ser53Asn; replaces serine 53 with asparagine.
Molecular consequence: missense variant.
Genome position (GRCh38, 1-based): chr17:63,099,193, G>A. VCF-style: chr17-63099193-G-A. GRCh37 (hg19) VCF-style: chr17-61176554-G-A.
Other names: c.158G>A, p.Ser53Asn (NM_001411076.1, NM_025185.4); short protein forms S53N.
Identifiers: ClinVar variation 2442523 (VCV002442523.1), dbSNP rs2037526530, ClinGen allele CA400791541.

ClinVar aggregate classification (germline): Uncertain significance (1 of 4 stars; one submission).

Allele frequency attached by ClinVar (database versions not stated): TOPMed below 0.00001.

Submission:

GeneDx
Classification: Uncertain significance. Last evaluated: 2022-08-30. Review status: criteria provided, single submitter. Criteria: GeneDx Variant Classification Process June 2021. Collection method: clinical testing. Allele origin: germline. Affected: yes.
Comment: Not observed at significant frequency in large population cohorts (gnomAD); In silico analysis supports that this missense variant does not alter protein structure/function; Has not been previously published as pathogenic or benign to our knowledge